The following is an entry in ClinVar:

ClinVar aggregate classification (germline): Conflicting classifications of pathogenicity. Review status: criteria provided, conflicting classifications (1 of 4 stars). 13 submissions from 13 submitters: Uncertain significance (1); Benign (6); Likely benign (4). 2 of the submissions do not count toward it. Last evaluated 2026-01-26.

Conditions:
Ehlers-Danlos syndrome (EDS). Identifiers: Orphanet 98249, MedGen C0013720, MONDO:0020066.
Familial thoracic aortic aneurysm and aortic dissection (TAAD). Also called: Thoracic aortic aneurysms and dissections. Identifiers: Orphanet 91387, MedGen C4707243, MONDO:0019625.
Congenital contractural arachnodactyly (CCA). Also called: BEALS SYNDROME; Beals-Hecht syndrome; Arthrogryposis, distal, type 9. Identifiers: Orphanet 115, MedGen C0220668, MONDO:0007363, OMIM 121050.

Allele frequency attached by ClinVar (database versions not stated): 1000 Genomes Project 30x 0.00016; 1000 Genomes Project 0.00020; TOPMed 0.00038; gnomAD 0.00046 and 0.00048; ESP Exome Variant Server 0.00062; gnomAD exomes 0.00087; ExAC 0.00117.
gnomAD v4.1: 1,351 of 1,613,878 alleles (0.084%); highest among the groups gnomAD compares: South Asian, 0.21%; 7 homozygotes.

Submissions (13):

Labcorp Genetics (formerly Invitae), Labcorp
Classification: Benign for Congenital contractural arachnodactyly. Last evaluated: 2026-01-26. Review status: criteria provided, single submitter. Criteria: Invitae Variant Classification Sherloc (09022015). Collection method: clinical testing. Allele origin: germline.

CeGaT Center for Human Genetics Tuebingen
Classification: Likely benign. Last evaluated: 2025-10-01. Review status: criteria provided, single submitter. Criteria: CeGaT Center For Human Genetics Tuebingen Variant Classification Criteria Version 2. Collection method: clinical testing. Allele origin: germline. Affected: yes. Observed: 2 variant alleles.
Comment: FBN2: BP4, BP7

ARUP Laboratories, Molecular Genetics and Genomics, ARUP Laboratories
Classification: Benign. Last evaluated: 2024-11-27. Review status: criteria provided, single submitter. Criteria: ARUP Molecular Germline Variant Investigation Process 2024. Collection method: clinical testing. Allele origin: germline.

Blueprint Genetics
Classification: Likely benign. Last evaluated: 2024-11-21. Review status: criteria provided, single submitter. Criteria: ACMG Guidelines, 2015. Collection method: clinical testing. Allele origin: germline.

Women's Health and Genetics/Laboratory Corporation of America, LabCorp
Classification: Benign. Last evaluated: 2023-07-21. Review status: criteria provided, single submitter. Criteria: LabCorp Variant Classification Summary - May 2015. Collection method: clinical testing. Allele origin: germline.

Genome Diagnostics Laboratory, The Hospital for Sick Children
Classification: Likely benign for Ehlers-Danlos syndrome. Last evaluated: 2021-01-06. Review status: criteria provided, single submitter. Criteria: ACMG Guidelines, 2015. Collection method: clinical testing. Allele origin: germline.

Illumina Laboratory Services, Illumina
Classification: Benign for Congenital contractural arachnodactyly. Last evaluated: 2018-01-12. Review status: criteria provided, single submitter. Criteria: ICSL Variant Classification Criteria 13 December 2019. Collection method: clinical testing. Allele origin: germline.
Comment: This variant was observed in the ICSL laboratory as part of a predisposition screen in an ostensibly healthy population. It had not been previously curated by ICSL or reported in the Human Gene Mutation Database (HGMD: prior to June 1st, 2018), and was therefore a candidate for classification through an automated scoring system. Utilizing variant allele frequency, disease prevalence and penetrance estimates, and inheritance mode, an automated score was calculated to assess if this variant is too frequent to cause the disease. Based on the score and internal cut-off values, a variant classified as benign is not then subjected to further curation. The score for this variant resulted in a classification of benign for this disease.

Genome Diagnostics Laboratory, University Medical Center Utrecht
Classification: Benign for Congenital contractural arachnodactyly. Last evaluated: 2017-11-24. Review status: criteria provided, single submitter. Criteria: ACGS Guidelines, 2013. Collection method: clinical testing. Allele origin: germline. Affected: yes. Study: VKGL Data-share Consensus.

Eurofins Ntd Llc (ga)
Classification: Uncertain significance. Last evaluated: 2016-09-01. Review status: criteria provided, single submitter. Criteria: EGL Classification Definitions 2015. Collection method: clinical testing. Allele origin: germline. Observed: 1 variant allele, 1 heterozygote.

Ambry Genetics
Classification: Likely benign for Familial thoracic aortic aneurysm and aortic dissection. Last evaluated: 2016-08-26. Review status: criteria provided, single submitter. Criteria: Ambry Variant Classification Scheme 2023. Collection method: clinical testing. Allele origin: germline.

GeneDx
Classification: Benign. Last evaluated: 2013-03-29. Review status: criteria provided, single submitter. Criteria: GeneDx Variant Classification (06012015). Collection method: clinical testing. Allele origin: germline. Affected: yes.
Comment: This variant is considered likely benign or benign based on one or more of the following criteria: it is a conservative change, it occurs at a poorly conserved position in the protein, it is predicted to be benign by multiple in silico algorithms, and/or has population frequency not consistent with disease.

Genome Diagnostics Laboratory, Amsterdam University Medical Center
Classification: Likely benign for Congenital contractural arachnodactyly. Last evaluated: 2017-06-23. Review status: no assertion criteria provided. Criteria: ACGS Guidelines, 2013. Collection method: clinical testing. Allele origin: germline. Affected: yes. Study: VKGL Data-share Consensus. Not counted in ClinVar's aggregate classification.

Clinical Genetics DNA and cytogenetics Diagnostics Lab, Erasmus MC, Erasmus Medical Center
Classification: Likely benign. Review status: no assertion criteria provided. Collection method: clinical testing. Allele origin: germline. Affected: yes. Study: VKGL Data-share Consensus. Not counted in ClinVar's aggregate classification.

NM_001999.4(FBN2):c.7380C>T (p.Cys2460=)

Gene: FBN2 (fibrillin 2; minus strand). Cytogenetic location: 5q23.3.
Variant type: single nucleotide variant.
Coding change: c.7380C>T on transcript NM_001999.4 (MANE Select); coding-DNA position 7380, C replaced by T.
Protein change: p.Cys2460=; no amino-acid change (cysteine 2460 retained).
Molecular consequence: synonymous variant.
Genome position (GRCh38, 1-based): chr5:128,277,971, G>A on the plus strand (C>T on the coding strand, the complement: FBN2 is on the minus strand). VCF-style: chr5-128277971-G-A. GRCh37 (hg19) VCF-style: chr5-127613663-G-A.
Other names: p.C2460C:TGC>TGT.
Identifiers: ClinVar variation 137349 (VCV000137349.53), dbSNP rs147102633, ClinGen allele CA290892.